The following is an entry in ClinVar:

NM_000321.3(RB1):c.46_65del (p.Ala16fs)

Gene: RB1 (RB transcriptional corepressor 1; plus strand). Cytogenetic location: 13q14.2.
Variant type: Deletion.
Coding change: c.46_65del on transcript NM_000321.3 (MANE Select); coding-DNA positions 46 to 65, 20 bases deleted (GCCGCCGCGGAACCCCCGGC).
Protein change: p.Ala16fs; shifts the reading frame from alanine 16.
Molecular consequence: frameshift variant.
Genome position (GRCh38, 1-based): chr13:48,303,958-48,303,977, GCCGCCGCGGAACCCCCGGC deleted. VCF-style (leftmost placement, unchanged base first): chr13-48303957-TGCCGCCGCGGAACCCCCGGC-T. GRCh37 (hg19) VCF-style: chr13-48878093-TGCCGCCGCGGAACCCCCGGC-T.
Other names: c.46_65del, p.Ala16fs (NM_001407165.1, NM_001407166.1, NM_001407167.1); short protein forms A16fs.
Identifiers: ClinVar variation 3236985 (VCV003236985.1), dbSNP rs2542093570.

ClinVar aggregate classification (germline): Pathogenic (1 of 4 stars; one submission).

Conditions:
Retinoblastoma (RB1). Also called: RETINOBLASTOMA, SOMATIC. Identifiers: Orphanet 790, MedGen C0035335, MeSH D012175, MONDO:0008380, OMIM 180200, HP:0009919. Disease mechanism: loss of function. Inheritance: Both sporadic and heritable forms are tested..

Submission:

Genetic Diagnostic Laboratory, University of Pennsylvania School of Medicine
Classification: Pathogenic for Retinoblastoma. Last evaluated: 2024-05-20. Review status: criteria provided, single submitter. Criteria: ACMG Guidelines, 2015. Collection method: clinical testing. Allele origin: germline. Affected: yes. Observed: 1 variant allele.
Comment: Case and Pedigree Information: BILATERAL CASES:1, UNILATERAL CASES:0, TOTAL CASES:1, PEDIGREES:1. ACMG Codes Applied:PVS1, PM2